The following is an entry in ClinVar:

NM_000292.3(PHKA2):c.3409C>T (p.Arg1137Trp)

Genes: PHKA2 (phosphorylase kinase regulatory subunit alpha 2; minus strand), PHKA2-AS1 (PHKA2 antisense RNA 1; plus strand). Cytogenetic location: Xp22.13.
Variant type: single nucleotide variant.
Coding change: c.3409C>T on transcript NM_000292.3 (MANE Select); coding-DNA position 3409, C replaced by T.
Protein change: p.Arg1137Trp; replaces arginine 1137 with tryptophan.
Molecular consequence: missense variant. On other transcripts: non-coding transcript variant (1).
Genome position (GRCh38, 1-based): chrX:18,894,332, G>A on the plus strand (C>T on the coding strand, the complement: PHKA2 is on the minus strand). VCF-style: chrX-18894332-G-A. GRCh37 (hg19) VCF-style: chrX-18912450-G-A.
Other names: short protein forms R1137W.
Identifiers: ClinVar variation 2822225 (VCV002822225.3), dbSNP rs2518518080, ClinGen allele CA412375696.

ClinVar aggregate classification (germline): Uncertain significance (1 of 4 stars; one submission).

Conditions:
Glycogen storage disease IXa1. Also called: LIVER GLYCOGENOSIS, X-LINKED, TYPE I; GLYCOGEN STORAGE DISEASE VIII; GSD VIII; Glycogen storage disease 8. Identifiers: Orphanet 264580, MedGen C3694531, MONDO:0010598, OMIM 306000.

Allele frequency attached by ClinVar (database versions not stated): gnomAD exomes 0.00001.
gnomAD v4.1: 6 of 1,211,272 alleles (0.0005%); highest among the groups gnomAD compares: Non-Finnish European, 0.00067%; no homozygotes.

Submission:

Labcorp Genetics (formerly Invitae), Labcorp
Classification: Uncertain significance for Glycogen storage disease IXa1. Last evaluated: 2023-09-30. Review status: criteria provided, single submitter. Criteria: Invitae Variant Classification Sherloc (09022015). Collection method: clinical testing. Allele origin: germline.
Comment: In summary, the available evidence is currently insufficient to determine the role of this variant in disease. Therefore, it has been classified as a Variant of Uncertain Significance. Advanced modeling of protein sequence and biophysical properties (such as structural, functional, and spatial information, amino acid conservation, physicochemical variation, residue mobility, and thermodynamic stability) has been performed at Invitae for this missense variant, however the output from this modeling did not meet the statistical confidence thresholds required to predict the impact of this variant on PHKA2 protein function. This variant has not been reported in the literature in individuals affected with PHKA2-related conditions. This variant is not present in population databases (gnomAD no frequency). This sequence change replaces arginine, which is basic and polar, with tryptophan, which is neutral and slightly polar, at codon 1137 of the PHKA2 protein (p.Arg1137Trp).